The following is an entry in ClinVar:

NM_031418.4(ANO3):c.1807A>G (p.Asn603Asp)

Gene: ANO3 (anoctamin 3; plus strand). Cytogenetic location: 11p14.2.
Variant type: single nucleotide variant.
Coding change: c.1807A>G on transcript NM_031418.4 (MANE Select); coding-DNA position 1807, A replaced by G.
Protein change: p.Asn603Asp; replaces asparagine 603 with aspartic acid.
Molecular consequence: missense variant.
Genome position (GRCh38, 1-based): chr11:26,599,685, A>G. VCF-style: chr11-26599685-A-G. GRCh37 (hg19) VCF-style: chr11-26621232-A-G.
Other names: c.1990A>G, p.Asn664Asp (NM_001313726.2); c.1369A>G, p.Asn457Asp (NM_001313727.2); short protein forms N603D, N664D, N457D.
Identifiers: ClinVar variation 455986 (VCV000455986.9), dbSNP rs1554976233, ClinGen allele CA379941945.

ClinVar aggregate classification (germline): Uncertain significance. Review status: criteria provided, multiple submitters, no conflicts (2 of 4 stars). 3 submissions from 3 submitters: Uncertain significance (3). Last evaluated 2024-08-01.

Conditions:
Dystonia 24 (DYT24). Also called: DYT-ANO3. Identifiers: Orphanet 420485, MedGen C3554374, MONDO:0014019, OMIM 615034.
Dystonic disorder. Also called: Dystonia. Identifiers: MedGen C0013421, MONDO:0003441, HP:0001332.

Submissions (3):

3billion
Classification: Uncertain significance for Dystonia 24. Last evaluated: 2024-08-01. Review status: criteria provided, single submitter. Criteria: ACMG Guidelines, 2015. Collection method: clinical testing. Allele origin: germline. Affected: yes.
Comment: The variant is not observed in the gnomAD v4.0.0 dataset. Predicted Consequence/Location: Missense changes are a common disease-causing mechanism. In silico tool predictions suggest damaging effect of the variant on gene or gene product [REVEL: 0.58 (>=0.6, sensitivity 0.68 and specificity 0.92); 3Cnet: 0.83 (>=0.6, sensitivity 0.72 and precision 0.9)]. The variant has been reported as of uncertain significance (ClinVar ID: VCV000455986). Therefore, this variant is classified as VUS according to the recommendation of ACMG/AMP guideline.

Labcorp Genetics (formerly Invitae), Labcorp
Classification: Uncertain significance for Dystonic disorder. Last evaluated: 2017-05-24. Review status: criteria provided, single submitter. Criteria: Invitae Variant Classification Sherloc (09022015). Collection method: clinical testing. Allele origin: germline.
Comment: In summary, this variant has uncertain impact on ANO3 function. The available evidence is currently insufficient to determine its role in disease. Therefore, it has been classified as a Variant of Uncertain Significance. Algorithms developed to predict the effect of missense changes on protein structure and function do not agree on the potential impact of this missense change (SIFT: "Deleterious"; PolyPhen-2: "Probably Damaging"; Align-GVGD: "Class C15"). This variant has not been reported in the literature in individuals with a ANO3-related disease. This variant is not present in population databases (ExAC no frequency). This sequence change replaces asparagine with aspartic acid at codon 603 of the ANO3 protein (p.Asn603Asp). The asparagine residue is highly conserved and there is a small physicochemical difference between asparagine and aspartic acid.

Neuberg Centre For Genomic Medicine, NCGM
Classification: Uncertain significance for Dystonia 24. Review status: criteria provided, single submitter. Criteria: ACMG Guidelines, 2015. Collection method: clinical testing. Allele origin: germline. Inheritance: Autosomal dominant inheritance. Affected: yes.
Comment: The missense variant c.1807A>G(p.Asn603Asp) has been submitted to ClinVar as a Variant of Uncertain Significance (VUS), but no details are available for independent assessment. The p.Asn603Asp variant is novel (not in any individuals) in gnomAD Exomes and 1000 Genomes. The amino acid change p.Asn603Asp in ANO3 is predicted as conserved by GERP++ and PhyloP across 100 vertebrates. The amino acid Asn at position 603 is changed to a Asp changing protein sequence and it might alter its composition and physicochemical properties. For these reasons, this variant has been classified as Uncertain Significance (VUS)